The following is an entry in ClinVar:

ClinVar aggregate classification (germline): Uncertain significance. Review status: criteria provided, multiple submitters, no conflicts (2 of 4 stars). 2 submissions from 2 submitters: Uncertain significance (2). Last evaluated 2025-01-04.

Conditions:
Inborn genetic diseases. Identifiers: MedGen C0950123, MeSH D030342.

gnomAD v4.1: 6 of 1,614,076 alleles (0.00037%); highest among the groups gnomAD compares: African/African-American, 0.008%; no homozygotes.

Submissions (2):

Ambry Genetics
Classification: Uncertain significance for Inborn genetic diseases. Last evaluated: 2025-01-04. Review status: criteria provided, single submitter. Criteria: Ambry Variant Classification Scheme 2023. Collection method: clinical testing. Allele origin: germline.
Comment: The p.D584E variant (also known as c.1752T>A), located in coding exon 8 of the MECOM gene, results from a T to A substitution at nucleotide position 1752. The aspartic acid at codon 584 is replaced by glutamic acid, an amino acid with highly similar properties. This amino acid position is conserved. In addition, this alteration is predicted to be tolerated by in silico analysis. Based on the available evidence, the clinical significance of this variant remains unclear.

Labcorp Genetics (formerly Invitae), Labcorp
Classification: Uncertain significance. Last evaluated: 2024-11-27. Review status: criteria provided, single submitter. Criteria: Invitae Variant Classification Sherloc (09022015). Collection method: clinical testing. Allele origin: germline.
Comment: This sequence change replaces aspartic acid, which is acidic and polar, with glutamic acid, which is acidic and polar, at codon 396 of the MECOM protein (p.Asp396Glu). This variant is present in population databases (rs370623787, gnomAD 0.007%). This variant has not been reported in the literature in individuals affected with MECOM-related conditions. An algorithm developed to predict the effect of missense changes on protein structure and function (PolyPhen-2) suggests that this variant is likely to be tolerated. In summary, the available evidence is currently insufficient to determine the role of this variant in disease. Therefore, it has been classified as a Variant of Uncertain Significance.

NM_004991.4(MECOM):c.1752T>A (p.Asp584Glu)

Gene: MECOM (MDS1 and EVI1 complex locus; minus strand). Cytogenetic location: 3q26.2.
Variant type: single nucleotide variant.
Coding change: c.1752T>A on transcript NM_004991.4 (MANE Select); coding-DNA position 1752, T replaced by A.
Protein change: p.Asp584Glu; replaces aspartic acid 584 with glutamic acid.
Molecular consequence: missense variant. On other transcripts: intron variant (2).
Genome position (GRCh38, 1-based): chr3:169,116,120, A>T on the plus strand (T>A on the coding strand, the complement: MECOM is on the minus strand). VCF-style: chr3-169116120-A-T. GRCh37 (hg19) VCF-style: chr3-168833908-A-T.
Other names: c.1752T>A (NM_004991.3); c.1383T>A, p.Asp461Glu (NM_001105077.4); c.1188T>A, p.Asp396Glu (NM_001105078.4, NM_001164000.2, NM_001205194.2 and 4 more transcripts); c.1191T>A, p.Asp397Glu (NM_001163999.2, NM_001366467.2, NM_001366468.2 and 1 more transcripts); c.1752T>A, p.Asp584Glu (NM_001366466.2); c.1133-353T>A (NM_001366473.2); c.569-353T>A (NM_001366474.2); short protein forms D397E, D461E, D396E, D584E.
Identifiers: ClinVar variation 3712091 (VCV003712091.3).